The following is an entry in ClinVar:

ClinVar aggregate classification (germline): Uncertain significance (1 of 4 stars; one submission).

Conditions:
Hereditary cancer-predisposing syndrome. Also called: Neoplastic Syndromes, Hereditary; Tumor predisposition; Hereditary neoplastic syndrome; Hereditary Cancer Syndrome. Identifiers: Orphanet 140162, MedGen C0027672, MeSH D009386, MONDO:0015356.

Submission:

Ambry Genetics
Classification: Uncertain significance for Hereditary cancer-predisposing syndrome. Last evaluated: 2022-12-02. Review status: criteria provided, single submitter. Criteria: Ambry Variant Classification Scheme 2023. Collection method: clinical testing. Allele origin: germline.
Comment: The p.S764G variant (also known as c.2290A>G), located in coding exon 15 of the PTCH1 gene, results from an A to G substitution at nucleotide position 2290. The serine at codon 764 is replaced by glycine, an amino acid with similar properties. This amino acid position is highly conserved in available vertebrate species. In addition, this alteration is predicted to be deleterious by in silico analysis. Since supporting evidence is limited at this time, the clinical significance of this alteration remains unclear.

NM_000264.5(PTCH1):c.2290A>G (p.Ser764Gly)

Genes: PTCH1 (patched 1; minus strand), LOC100507346 (uncharacterized LOC100507346; plus strand). Cytogenetic location: 9q22.32.
Variant type: single nucleotide variant.
Coding change: c.2290A>G on transcript NM_000264.5 (MANE Select); coding-DNA position 2290, A replaced by G.
Protein change: p.Ser764Gly; replaces serine 764 with glycine.
Molecular consequence: missense variant. On other transcripts: non-coding transcript variant (1).
Genome position (GRCh38, 1-based): chr9:95,467,386, T>C on the plus strand (A>G on the coding strand, the complement: PTCH1 is on the minus strand). VCF-style: chr9-95467386-T-C. GRCh37 (hg19) VCF-style: chr9-98229668-T-C.
Other names: c.2092A>G, p.Ser698Gly (NM_001083602.3); c.2287A>G, p.Ser763Gly (NM_001083603.3); c.1837A>G, p.Ser613Gly (NM_001083604.3, NM_001083605.3, NM_001083606.3 and 1 more transcripts); c.2134A>G, p.Ser712Gly (NM_001354918.2); short protein forms S613G, S712G, S763G, S698G, S764G.
Identifiers: ClinVar variation 2452543 (VCV002452543.2), dbSNP rs2117973763, ClinGen allele CA374114692.